The following is an entry in ClinVar:

NM_005208.5(CRYBA1):c.193T>C (p.Ser65Pro)

Gene: CRYBA1 (crystallin beta A1; plus strand). Cytogenetic location: 17q11.2.
Variant type: single nucleotide variant.
Coding change: c.193T>C on transcript NM_005208.5 (MANE Select); coding-DNA position 193, T replaced by C.
Protein change: p.Ser65Pro; replaces serine 65 with proline.
Molecular consequence: missense variant.
Genome position (GRCh38, 1-based): chr17:29,250,278, T>C. VCF-style: chr17-29250278-T-C. GRCh37 (hg19) VCF-style: chr17-27577296-T-C.
Other names: short protein forms S65P.
Identifiers: ClinVar variation 5008374 (VCV005008374.1).
Genomic context (GRCh38, chr17:29,250,278, plus strand): 5'-AGGATGGAGTTCACCAGCTCCTGTCCAAATGTCTCTGAGCGCAGTTTTGATAATGTCCGG[T>C]CCCTGAAGGTGGAAAGTGGCGCGTGAGTATGGACTTCCGCAGAACCGCAGCCCCTTATTT-3'
Protein context (NP_005199.2, residues 55-75): VSERSFDNVR[Ser65Pro]LKVESGAWIG

ClinVar aggregate classification (germline): Uncertain significance (1 of 4 stars; one submission).

Submission:

GeneDx
Classification: Uncertain significance. Last evaluated: 2026-03-04. Review status: criteria provided, single submitter. Criteria: GeneDx Variant Classification Process June 2021. Collection method: clinical testing. Allele origin: germline.
Comment: Not observed at significant frequency in large population cohorts (gnomAD); In silico analysis supports that this missense variant has a deleterious effect on protein structure/function; Has not been previously published as pathogenic or benign to our knowledge